The following is an entry in ClinVar:

NM_001378454.1(ALMS1):c.4117A>G (p.Thr1373Ala)

Gene: ALMS1 (ALMS1 centrosome and basal body associated protein; plus strand). Cytogenetic location: 2p13.1.
Variant type: single nucleotide variant.
Coding change: c.4117A>G on transcript NM_001378454.1 (MANE Select); coding-DNA position 4117, A replaced by G.
Protein change: p.Thr1373Ala; replaces threonine 1373 with alanine.
Molecular consequence: missense variant.
Genome position (GRCh38, 1-based): chr2:73,450,644, A>G. VCF-style: chr2-73450644-A-G. GRCh37 (hg19) VCF-style: chr2-73677771-A-G.
Other names: c.4120A>G, p.Thr1374Ala (NM_015120.4); short protein forms T1373A, T1374A.
Identifiers: ClinVar variation 4990652 (VCV004990652.1).

ClinVar aggregate classification (germline): Uncertain significance (1 of 4 stars; one submission).

Conditions:
ALMS1-related disorder. Also called: ALMS1-related condition.

Submission:

PreventionGenetics, part of Exact Sciences
Classification: Uncertain significance for ALMS1-related condition. Last evaluated: 2025-11-04. Review status: criteria provided, single submitter. Criteria: ACMG Guidelines, 2015. Collection method: clinical testing. Allele origin: germline.
Comment: The ALMS1 c.4120A>G variant is predicted to result in the amino acid substitution p.Thr1374Ala. To our knowledge, this variant has not been reported in the literature. This variant is reported in 0.051% of alleles in individuals of East Asian descent in gnomAD. At this time, the clinical significance of this variant is uncertain due to the absence of conclusive functional and genetic evidence.